The following is an entry in ClinVar:

NM_001122630.2(CDKN1C):c.364C>T (p.Pro122Ser)

Gene: CDKN1C (cyclin dependent kinase inhibitor 1C; minus strand). Cytogenetic location: 11p15.4.
Variant type: single nucleotide variant.
Coding change: c.364C>T on transcript NM_001122630.2 (MANE Select); coding-DNA position 364, C replaced by T.
Protein change: p.Pro122Ser; replaces proline 122 with serine.
Molecular consequence: missense variant. On other transcripts: intron variant (1).
Genome position (GRCh38, 1-based): chr11:2,885,093, G>A on the plus strand (C>T on the coding strand, the complement: CDKN1C is on the minus strand). VCF-style: chr11-2885093-G-A. GRCh37 (hg19) VCF-style: chr11-2906323-G-A.
Other names: c.397C>T, p.Pro133Ser (NM_000076.2, NM_001362474.2); c.364C>T, p.Pro122Ser (NM_001122631.2); c.255+109C>T (NM_001362475.2); short protein forms P122S, P133S.
Identifiers: ClinVar variation 1055417 (VCV001055417.11), dbSNP rs1192914687, ClinGen allele CA379146779.
Genomic context (GRCh38, chr11:2,885,093, plus strand): 5'-CCGGGACTGGGGGCGGGGTGGACGCCGGGGCCGGGACCGGGACACTAGGCAGCTGCTCCG[G>A]CGCCTCCTCGAGGCCGTCGAGGGACTCAGCGGCCGGCTCGAGGGGCGGGCTGACAGCCAC-3'
Protein context (NP_001116102.1, residues 112-132): AESLDGLEEA[Pro122Ser]EQLPSVPVPA

ClinVar aggregate classification (germline): Uncertain significance. Review status: criteria provided, multiple submitters, no conflicts (2 of 4 stars). 3 submissions from 3 submitters: Uncertain significance (3). Last evaluated 2026-04-15.

Conditions:
Inborn genetic diseases. Identifiers: MedGen C0950123, MeSH D030342.
Beckwith-Wiedemann syndrome (BWS). Also called: EMG SYNDROME; Exomphalos macroglossia gigantism syndrome. Identifiers: Orphanet 116, MedGen C0004903, MONDO:0007534, OMIM 130650.

Allele frequency attached by ClinVar (database versions not stated): TOPMed below 0.00001; gnomAD 0.00001; gnomAD exomes below 0.00001.

Submissions (3):

Ambry Genetics
Classification: Uncertain significance for Inborn genetic diseases. Last evaluated: 2026-04-15. Review status: criteria provided, single submitter. Criteria: Ambry Variant Classification Scheme 2023. Collection method: clinical testing. Allele origin: germline.
Comment: The c.397C>T (p.P133S) alteration is located in exon 1 (coding exon 1) of the CDKN1C gene. This alteration results from a C to T substitution at nucleotide position 397, causing the proline (P) at amino acid position 133 to be replaced by a serine (S). Based on data from gnomAD, the T allele has an overall frequency of <0.001% (0/32544) total alleles studied. The highest observed frequency was <0.001% (/) of alleles. Based on insufficient or conflicting evidence, the clinical significance of this alteration remains unclear.

Baylor Genetics
Classification: Uncertain significance for Beckwith-Wiedemann syndrome. Last evaluated: 2023-07-10. Review status: criteria provided, single submitter. Criteria: ACMG Guidelines, 2015. Collection method: clinical testing. Allele origin: unknown.

Labcorp Genetics (formerly Invitae), Labcorp
Classification: Uncertain significance for Beckwith-Wiedemann syndrome. Last evaluated: 2022-11-23. Review status: criteria provided, single submitter. Criteria: Invitae Variant Classification Sherloc (09022015). Collection method: clinical testing. Allele origin: germline.
Comment: In summary, the available evidence is currently insufficient to determine the role of this variant in disease. Therefore, it has been classified as a Variant of Uncertain Significance. Advanced modeling of protein sequence and biophysical properties (such as structural, functional, and spatial information, amino acid conservation, physicochemical variation, residue mobility, and thermodynamic stability) performed at Invitae indicates that this missense variant is not expected to disrupt CDKN1C protein function. ClinVar contains an entry for this variant (Variation ID: 1055417). This variant has not been reported in the literature in individuals affected with CDKN1C-related conditions. This variant is not present in population databases (gnomAD no frequency). This sequence change replaces proline, which is neutral and non-polar, with serine, which is neutral and polar, at codon 133 of the CDKN1C protein (p.Pro133Ser).